The following is an entry in ClinVar:

NM_000245.4(MET):c.743A>T (p.Lys248Met)

Gene: MET (MET proto-oncogene, receptor tyrosine kinase; plus strand). Cytogenetic location: 7q31.2.
Variant type: single nucleotide variant.
Coding change: c.743A>T on transcript NM_000245.4 (MANE Select); coding-DNA position 743, A replaced by T.
Protein change: p.Lys248Met; replaces lysine 248 with methionine.
Molecular consequence: missense variant. On other transcripts: intron variant (1).
Genome position (GRCh38, 1-based): chr7:116,699,827, A>T. VCF-style: chr7-116699827-A-T. GRCh37 (hg19) VCF-style: chr7-116339881-A-T.
Other names: c.743A>T, p.Lys248Met (NM_001127500.3, NM_001324401.3); c.-91+27250A>T (NM_001324402.2); c.743A>T (NM_001127500.2); short protein forms K248M.
Identifiers: ClinVar variation 485741 (VCV000485741.20), dbSNP rs769181927, ClinGen allele CA4448022.

ClinVar aggregate classification (germline): Conflicting classifications of pathogenicity. Review status: criteria provided, conflicting classifications (1 of 4 stars). 5 submissions from 5 submitters: Uncertain significance (3); Benign (1); Likely benign (1). Last evaluated 2026-01-21.

Conditions:
MET-related disorder. Also called: MET-related condition.
Renal cell carcinoma. Identifiers: Orphanet 217071, MedGen C0007134, MeSH D002292, MONDO:0005086, HP:0005584.
Autosomal recessive nonsyndromic hearing loss 97. Also called: Deafness, autosomal recessive 97. Identifiers: Orphanet 90636, MedGen C4084709, MONDO:0014739, OMIM 616705.
Hereditary cancer-predisposing syndrome. Also called: Neoplastic Syndromes, Hereditary; Hereditary Cancer Syndrome; Tumor predisposition; Hereditary neoplastic syndrome. Identifiers: Orphanet 140162, MedGen C0027672, MeSH D009386, MONDO:0015356.

Allele frequency attached by ClinVar (database versions not stated): gnomAD exomes below 0.00001; ExAC 0.00001; gnomAD 0.00002; TOPMed 0.00003.
gnomAD v4.1: 5 of 1,613,996 alleles (0.00031%); highest among the groups gnomAD compares: African/African-American, 0.0053%; no homozygotes.

Submissions (5):

Labcorp Genetics (formerly Invitae), Labcorp
Classification: Likely benign for Renal cell carcinoma. Last evaluated: 2026-01-21. Review status: criteria provided, single submitter. Criteria: Invitae Variant Classification Sherloc (09022015). Collection method: clinical testing. Allele origin: germline.

PreventionGenetics, part of Exact Sciences
Classification: Uncertain significance for MET-related condition. Last evaluated: 2025-11-26. Review status: criteria provided, single submitter. Criteria: ACMG Guidelines, 2015. Collection method: clinical testing. Allele origin: germline.
Comment: The MET c.743A>T variant is predicted to result in the amino acid substitution p.Lys248Met. This variant was reported as uncertain in an individual with breast cancer and another individual with kidney cancer (Table S9, Yehia et al. 2018. PubMed ID: 29684080). This variant is reported in 0.023% of alleles in individuals of African descent in gnomAD and has conflicting interpretations regarding its pathogenicity in ClinVar, ranging from benign to uncertain (Variation ID: 485741). Although we suspect that this variant may be benign, at this time, the clinical significance of this variant is uncertain due to the absence of conclusive functional and genetic evidence.

Ambry Genetics
Classification: Benign for Hereditary cancer-predisposing syndrome. Last evaluated: 2024-05-14. Review status: criteria provided, single submitter. Criteria: Ambry Variant Classification Scheme 2023. Collection method: clinical testing. Allele origin: germline.

Baylor Genetics
Classification: Uncertain significance for Autosomal recessive nonsyndromic hearing loss 97. Last evaluated: 2023-12-26. Review status: criteria provided, single submitter. Criteria: ACMG Guidelines, 2015. Collection method: clinical testing. Allele origin: unknown.

GeneDx
Classification: Uncertain significance. Last evaluated: 2021-10-20. Review status: criteria provided, single submitter. Criteria: GeneDx Variant Classification Process June 2021. Collection method: clinical testing. Allele origin: germline. Affected: yes.
Comment: In silico analysis supports that this missense variant has a deleterious effect on protein structure/function; Has not been previously published as pathogenic or benign to our knowledge

Literature cited by the submitters: PubMed 29684080 (cited by Ambry Genetics).